The following is an entry in ClinVar:

ClinVar aggregate classification (germline): Pathogenic/Likely pathogenic. Review status: criteria provided, multiple submitters, no conflicts (2 of 4 stars). 2 submissions from 2 submitters: Pathogenic (1); Likely pathogenic (1). Last evaluated 2020-12-08.

Conditions:
Cerebral cavernous malformation 2. Also called: Familial Cerebral Cavernous Malformation 2. Identifiers: Orphanet 221061, MedGen C1864041, MONDO:0011304, OMIM 603284.

Allele frequency attached by ClinVar (database versions not stated): gnomAD exomes below 0.00001.
gnomAD v4.1: 3 of 1,612,946 alleles (0.00019%); highest among the groups gnomAD compares: Non-Finnish European, 0.00025%; no homozygotes.

Submissions (2):

Labcorp Genetics (formerly Invitae), Labcorp
Classification: Pathogenic for Cerebral cavernous malformation 2. Last evaluated: 2020-12-08. Review status: criteria provided, single submitter. Criteria: Invitae Variant Classification Sherloc (09022015). Collection method: clinical testing. Allele origin: germline.
Comment: For these reasons, this variant has been classified as Pathogenic. Disruption of this splice site has been observed in individual(s) with cerebral cavernous malformations (PMID: 17277691, Invitae). This variant is also known as IVS 3 G-1T. ClinVar contains an entry for this variant (Variation ID: 590652). This variant is not present in population databases (ExAC no frequency). This sequence change affects an acceptor splice site in intron 3 of the CCM2 gene. It is expected to disrupt RNA splicing. Variants that disrupt the donor or acceptor splice site typically lead to a loss of protein function (PMID: 16199547), and loss-of-function variants in CCM2 are known to be pathogenic (PMID: 18300272, 24689081).

PreventionGenetics, part of Exact Sciences
Classification: Likely pathogenic. Last evaluated: 2017-03-10. Review status: criteria provided, single submitter. Criteria: ACMG Guidelines, 2015. Collection method: clinical testing. Allele origin: germline.

Literature cited by the submitters: PubMed 17277691 (cited by Labcorp Genetics (formerly Invitae), Labcorp); PubMed 16199547 (cited by Labcorp Genetics (formerly Invitae), Labcorp); PubMed 18300272 (cited by Labcorp Genetics (formerly Invitae), Labcorp); PubMed 24689081 (cited by Labcorp Genetics (formerly Invitae), Labcorp).

NM_031443.4(CCM2):c.289-1G>A

Gene: CCM2 (CCM2 scaffold protein; plus strand). Cytogenetic location: 7p13.
Variant type: single nucleotide variant.
Coding change: c.289-1G>A on transcript NM_031443.4 (MANE Select); the canonical splice acceptor site of the intron before coding-DNA position 289, G replaced by A.
Molecular consequence: splice acceptor variant.
Genome position (GRCh38, 1-based): chr7:45,064,462, G>A. VCF-style: chr7-45064462-G-A. GRCh37 (hg19) VCF-style: chr7-45104061-G-A.
Other names: c.289-1G>A (NM_001363458.2, NM_001167935.2); c.115-1G>A (NM_001363459.2, NM_001167934.2); c.352-1G>A (NM_001029835.2).
Identifiers: ClinVar variation 590652 (VCV000590652.9), dbSNP rs1562907365, ClinGen allele CA367429794.